The following is an entry in ClinVar:

ClinVar aggregate classification (germline): Uncertain significance. Review status: criteria provided, multiple submitters, no conflicts (2 of 4 stars). 2 submissions from 2 submitters: Uncertain significance (2). Last evaluated 2024-02-13.

Conditions:
Inborn genetic diseases. Identifiers: MedGen C0950123, MeSH D030342.

Allele frequency attached by ClinVar (database versions not stated): TOPMed 0.00002; gnomAD 0.00003.
gnomAD v4.1: 21 of 1,614,068 alleles (0.0013%); highest among the groups gnomAD compares: Non-Finnish European, 0.0018%; no homozygotes.

Submissions (2):

Labcorp Genetics (formerly Invitae), Labcorp
Classification: Uncertain significance. Last evaluated: 2024-02-13. Review status: criteria provided, single submitter. Criteria: Invitae Variant Classification Sherloc (09022015). Collection method: clinical testing. Allele origin: germline.
Comment: This sequence change replaces glutamic acid, which is acidic and polar, with aspartic acid, which is acidic and polar, at codon 716 of the DLL1 protein (p.Glu716Asp). This variant is present in population databases (no rsID available, gnomAD 0.004%). This variant has not been reported in the literature in individuals affected with DLL1-related conditions. An algorithm developed to predict the effect of missense changes on protein structure and function (PolyPhen-2) suggests that this variant is likely to be disruptive. In summary, the available evidence is currently insufficient to determine the role of this variant in disease. Therefore, it has been classified as a Variant of Uncertain Significance.

Ambry Genetics
Classification: Uncertain significance for Inborn genetic diseases. Last evaluated: 2023-10-05. Review status: criteria provided, single submitter. Criteria: Ambry Variant Classification Scheme 2023. Collection method: clinical testing. Allele origin: germline.

NM_005618.4(DLL1):c.2148G>C (p.Glu716Asp)

Genes: DLL1 (delta like canonical Notch ligand 1; minus strand), LOC126859913 (P300/CBP strongly-dependent group 1 enhancer GRCh37_chr6:170591232-170592431; plus strand). Cytogenetic location: 6q27.
Variant type: single nucleotide variant.
Coding change: c.2148G>C on transcript NM_005618.4 (MANE Select); coding-DNA position 2148, G replaced by C.
Protein change: p.Glu716Asp; replaces glutamic acid 716 with aspartic acid.
Molecular consequence: missense variant.
Genome position (GRCh38, 1-based): chr6:170,283,006, C>G on the plus strand (G>C on the coding strand, the complement: DLL1 is on the minus strand). VCF-style: chr6-170283006-C-G. GRCh37 (hg19) VCF-style: chr6-170592094-C-G.
Other names: c.2148G>C (NM_005618.3); short protein forms E716D.
Identifiers: ClinVar variation 2885191 (VCV002885191.4), dbSNP rs1412594358, ClinGen allele CA366505769.
Genomic context (GRCh38, chr6:170,283,006, plus strand): 5'-TCCCATGCCGAGGAGGAGGGAGCGGCTGCTGCCTGCACTGACCTCAGTTGCTATGACGCA[C>G]TCATCCTTCTCCTCGGATATGACGTACACCGACTGGTACTTGGTGTCTTTTGAAGTTGAA-3'
Protein context (NP_005609.3, residues 706-723): SVYVISEEKD[Glu716Asp]CVIATEV